The following is an entry in ClinVar:

NM_138694.4(PKHD1):c.788_789del (p.Ser263fs)

Gene: PKHD1 (PKHD1 ciliary IPT domain containing fibrocystin/polyductin; minus strand). Cytogenetic location: 6p12.2.
Variant type: Deletion.
Coding change: c.788_789del on transcript NM_138694.4 (MANE Select); coding-DNA positions 788 to 789, 2 bases deleted (CT; older notation c.788_789delCT).
Protein change: p.Ser263fs; shifts the reading frame from serine 263.
Molecular consequence: frameshift variant.
Genome position (GRCh38, 1-based): chr6:52,066,067-52,066,068, AG deleted on the plus strand (CT on the coding strand, the reverse complement: PKHD1 is on the minus strand); deleting any 2 consecutive bases within chr6:52,066,067-52,066,069 gives the same sequence; the c. name uses the placement nearest the transcript's 3' end. VCF-style (leftmost placement, unchanged base first): chr6-52066066-CAG-C. GRCh37 (hg19) VCF-style: chr6-51930864-CAG-C.
Other names: c.788_789del, p.Ser263fs (NM_170724.3); c.788_789del (NM_138694.3); short protein forms S263fs.
Identifiers: ClinVar variation 1454294 (VCV001454294.11), dbSNP rs1045491786, ClinGen allele CA138919922.
Genomic context (GRCh38, chr6:52,066,066, plus strand): 5'-AAAAGTCTCCTGTAATTGTGATGTTTGTTCTTCCCCCAAGGCTCCCAGTTTCTGGAAACA[CAG>C]ATAATATTTCTGCAAGAGTTAAAAAAAAAAAAAAGTAAGCTTCCAAATATAGACCAGAAT-3'

ClinVar aggregate classification (germline): Pathogenic/Likely pathogenic. Review status: criteria provided, multiple submitters, no conflicts (2 of 4 stars). 3 submissions from 3 submitters: Pathogenic (2); Likely pathogenic (1). Last evaluated 2025-03-18.

Conditions:
Autosomal recessive polycystic kidney disease (ARPKD). Also called: AR polycystic kidney disease. Identifiers: Orphanet 731, Orphanet 8378, MedGen C0085548, MeSH D017044, MONDO:0009889.
Polycystic kidney disease 4 (PKD4). Also called: POLYCYSTIC KIDNEY DISEASE 4 WITH OR WITHOUT POLYCYSTIC LIVER DISEASE; PKD3; Autosomal Recessive Polycystic Kidney Disease – PKHD1; POLYCYSTIC KIDNEY AND HEPATIC DISEASE 1; POLYCYSTIC KIDNEY DISEASE, INFANTILE, TYPE I. Identifiers: MedGen C4540575, MONDO:0033004, OMIM 263200.

Submissions (3):

Natera, Inc.
Classification: Pathogenic for Autosomal recessive polycystic kidney disease. Last evaluated: 2025-03-18. Review status: criteria provided, single submitter. Criteria: Natera Variant Classification Schema (03/2026). Collection method: clinical testing. Allele origin: germline.
Comment: The c.788_789del variant in PKHD1 is a frameshift variant predicted to shift the reading frame beginning at codon 263 and leads to a stop codon 22 codons downstream. This variant is expected to result in nonsense mediated decay, truncation, or a dysfunctional protein product. This variant is rare in the general population with a frequency below the threshold expected for the associated phenotype(s). This variant has been observed in one or more individuals affected with the associated recessive disease, as either homozygous or compound heterozygous with a second variant (PMID: 26673778, 36657418). Given the available evidence, this variant is classified as Pathogenic.

Fulgent Genetics
Classification: Likely pathogenic for Polycystic kidney disease 4. Last evaluated: 2024-02-15. Review status: criteria provided, single submitter. Criteria: ACMG Guidelines, 2015. Collection method: clinical testing. Allele origin: germline.

Labcorp Genetics (formerly Invitae), Labcorp
Classification: Pathogenic for Autosomal recessive polycystic kidney disease. Last evaluated: 2021-04-04. Review status: criteria provided, single submitter. Criteria: Invitae Variant Classification Sherloc (09022015). Collection method: clinical testing. Allele origin: germline.
Comment: For these reasons, this variant has been classified as Pathogenic. This variant has been observed in individual(s) with PKHD1-related conditions (PMID: 26673778). This variant is not present in population databases (ExAC no frequency). This sequence change creates a premature translational stop signal (p.Ser263Cysfs*22) in the PKHD1 gene. It is expected to result in an absent or disrupted protein product. Loss-of-function variants in PKHD1 are known to be pathogenic (PMID: 19940839).

Literature cited by the submitters: PubMed 26673778 (cited by Natera, Inc. and Labcorp Genetics (formerly Invitae), Labcorp); PubMed 36657418 (cited by Natera, Inc.); PubMed 19940839 (cited by Labcorp Genetics (formerly Invitae), Labcorp).